The following is an entry in ClinVar:

ClinVar aggregate classification (germline): Uncertain significance. Review status: criteria provided, multiple submitters, no conflicts (2 of 4 stars). 6 submissions from 5 submitters: Uncertain significance (6). Last evaluated 2023-02-08.

Conditions:
Autosomal recessive limb-girdle muscular dystrophy type 2F (LGMDR6). Also called: Muscular dystrophy limb-girdle with delta-sarcoglyan deficiency; MUSCULAR DYSTROPHY, LIMB-GIRDLE, AUTOSOMAL RECESSIVE 6. Identifiers: Orphanet 219, MedGen C1832525, MONDO:0011028, OMIM 601287. Disease mechanism: Affects gamma-sarcoglycan and also disrupts the integrity of the entire sarcoglycan complex..
Dilated cardiomyopathy 1L (CMD1L). Identifiers: Orphanet 154, MedGen C1847667, MONDO:0011702, OMIM 606685.

Allele frequency attached by ClinVar (database versions not stated): gnomAD 0.00001; TOPMed 0.00001.
gnomAD v4.1: 6 of 1,611,332 alleles (0.00037%); highest among the groups gnomAD compares: Non-Finnish European, 0.00042%; no homozygotes.

Submissions (6):

Genome-Nilou Lab
Classification: Uncertain significance for Autosomal recessive limb-girdle muscular dystrophy type 2F. Last evaluated: 2023-02-08. Review status: criteria provided, single submitter. Criteria: ACMG Guidelines, 2015. Collection method: clinical testing. Allele origin: germline.

Genome-Nilou Lab
Classification: Uncertain significance for Dilated cardiomyopathy 1L. Last evaluated: 2023-02-08. Review status: criteria provided, single submitter. Criteria: ACMG Guidelines, 2015. Collection method: clinical testing. Allele origin: germline.

Labcorp Genetics (formerly Invitae), Labcorp
Classification: Uncertain significance for Autosomal recessive limb-girdle muscular dystrophy type 2F. Last evaluated: 2022-06-30. Review status: criteria provided, single submitter. Criteria: Invitae Variant Classification Sherloc (09022015). Collection method: clinical testing. Allele origin: germline.
Comment: This sequence change replaces asparagine, which is neutral and polar, with serine, which is neutral and polar, at codon 211 of the SGCD protein (p.Asn211Ser). This variant is not present in population databases (gnomAD no frequency). This variant has not been reported in the literature in individuals affected with SGCD-related conditions. ClinVar contains an entry for this variant (Variation ID: 198717). Algorithms developed to predict the effect of missense changes on protein structure and function (SIFT, PolyPhen-2, Align-GVGD) all suggest that this variant is likely to be tolerated. In summary, the available evidence is currently insufficient to determine the role of this variant in disease. Therefore, it has been classified as a Variant of Uncertain Significance.

GeneDx
Classification: Uncertain significance. Last evaluated: 2020-01-08. Review status: criteria provided, single submitter. Criteria: GeneDx Variant Classification Process June 2021. Collection method: clinical testing. Allele origin: germline. Affected: yes.
Comment: Not observed in large population cohorts (Lek et al., 2016); In silico analysis, which includes protein predictors and evolutionary conservation, supports that this variant does not alter protein structure/function; Has not been previously published as pathogenic or benign to our knowledge; This variant is associated with the following publications: (PMID: 30564623)

Revvity Omics, Revvity
Classification: Uncertain significance. Last evaluated: 2019-08-08. Review status: criteria provided, single submitter. Criteria: ACMG Guidelines, 2015. Collection method: clinical testing. Allele origin: germline.

Eurofins Ntd Llc (ga)
Classification: Uncertain significance. Last evaluated: 2015-05-13. Review status: criteria provided, single submitter. Criteria: EGL Classification Definitions 2015. Collection method: clinical testing. Allele origin: germline. Observed: 1 variant allele, 1 heterozygote.

NM_000337.6(SGCD):c.632A>G (p.Asn211Ser)

Gene: SGCD (sarcoglycan delta; plus strand). Cytogenetic location: 5q33.3.
Variant type: single nucleotide variant.
Coding change: c.632A>G on transcript NM_000337.6 (MANE Select); coding-DNA position 632, A replaced by G.
Protein change: p.Asn211Ser; replaces asparagine 211 with serine.
Molecular consequence: missense variant.
Genome position (GRCh38, 1-based): chr5:156,757,637, A>G. VCF-style: chr5-156757637-A-G. GRCh37 (hg19) VCF-style: chr5-156184648-A-G.
Other names: c.629A>G, p.Asn210Ser (NM_001128209.2); c.632A>G, p.Asn211Ser (NM_172244.3); short protein forms N211S, N210S.
Identifiers: ClinVar variation 198717 (VCV000198717.16), dbSNP rs794727901, ClinGen allele CA247517.
Genomic context (GRCh38, chr5:156,757,637, plus strand): 5'-TCAGGTTGGAGTCCCCAACCCGGTCTCTAGTGATGGAGGCCCCAAAAGGAGTGGAAATCA[A>G]TGCAGAAGCTGGCAATATGGAAGCCACCTGCAGGACAGAGCTGAGACTGGAATCCAAAGA-3'
Protein context (NP_000328.2, residues 201-221): VMEAPKGVEI[Asn211Ser]AEAGNMEATC